The following is an entry in ClinVar:

ClinVar aggregate classification (germline): Uncertain significance (1 of 4 stars; one submission).

Conditions:
Cardiovascular phenotype. Identifiers: MedGen CN230736.

Submission:

Ambry Genetics
Classification: Uncertain significance for Cardiovascular phenotype. Last evaluated: 2023-11-16. Review status: criteria provided, single submitter. Criteria: Ambry Variant Classification Scheme 2023. Collection method: clinical testing. Allele origin: germline.
Comment: The c.2731_2732delGTinsAG variant (also known as p.V911R), located in coding exon 11 of the RBM20 gene, results from an in-frame deletion of GT and insertion of AG at nucleotide positions 2731 to 2732. This results in the substitution of the valine residue for an arginine residue at codon 911, an amino acid with similar properties. This amino acid position is highly conserved in available vertebrate species. In addition, the in silico prediction for this alteration is inconclusive (Choi Y et al. PLoS ONE. 2012; 7(10):e46688). Since supporting evidence is limited at this time, the clinical significance of this alteration remains unclear.

NM_001134363.3(RBM20):c.2731_2732delinsAG (p.Val911Arg)

Gene: RBM20 (RNA binding motif protein 20; plus strand). Cytogenetic location: 10q25.2.
Variant type: Indel.
Coding change: c.2731_2732delinsAG on transcript NM_001134363.3 (MANE Select); coding-DNA positions 2731 to 2732, GT replaced by AG.
Protein change: p.Val911Arg; replaces valine 911 with arginine.
Molecular consequence: missense variant.
Genome position (GRCh38, 1-based): chr10:110,821,350-110,821,351, GT replaced by AG. VCF-style: chr10-110821350-GT-AG. GRCh37 (hg19) VCF-style: chr10-112581108-GT-AG.
Other names: short protein forms V911R.
Identifiers: ClinVar variation 3233207 (VCV003233207.1), dbSNP rs2493493234, ClinGen allele CA2825001683.